The following is an entry in ClinVar:

ClinVar aggregate classification (germline): Benign (1 of 4 stars; one submission).

Allele frequency attached by ClinVar (database versions not stated): TOPMed 0.05884; gnomAD 0.06092 and 0.06253; 1000 Genomes Project 0.06749; 1000 Genomes Project 30x 0.06824.
gnomAD v4.1: 8,992 of 148,726 alleles (6%); highest among the groups gnomAD compares: African/African-American, 12%; 384 homozygotes.

Submission:

GeneDx
Classification: Benign. Last evaluated: 2018-06-14. Review status: criteria provided, single submitter. Criteria: GeneDx Variant Classification (06012015). Collection method: clinical testing. Allele origin: germline. Affected: yes.
Comment: This variant is considered likely benign or benign based on one or more of the following criteria: it is a conservative change, it occurs at a poorly conserved position in the protein, it is predicted to be benign by multiple in silico algorithms, and/or has population frequency not consistent with disease.

NM_001035.3(RYR2):c.11146-170A>C

Gene: RYR2 (ryanodine receptor 2; plus strand). Cytogenetic location: 1q43.
Variant type: single nucleotide variant.
Coding change: c.11146-170A>C on transcript NM_001035.3 (MANE Select); 170 bases into the intron before coding-DNA position 11146, A replaced by C.
Molecular consequence: intron variant.
Genome position (GRCh38, 1-based): chr1:237,756,118, A>C. VCF-style: chr1-237756118-A-C. GRCh37 (hg19) VCF-style: chr1-237919418-A-C.
Identifiers: ClinVar variation 675523 (VCV000675523.1), dbSNP rs78513709, ClinGen allele CA10934871.